The following is an entry in ClinVar:

ClinVar aggregate classification (germline): Uncertain significance. Review status: criteria provided, multiple submitters, no conflicts (2 of 4 stars). 3 submissions from 3 submitters: Uncertain significance (3). Last evaluated 2025-08-05.

Conditions:
Familial sleep-related hypermotor epilepsy. Also called: Autosomal Dominant Sleep-Related Hypermotor (Hyperkinetic) Epilepsy. Identifiers: Orphanet 98784, MedGen C3696898, MONDO:0000030.
Inborn genetic diseases. Identifiers: MedGen C0950123, MeSH D030342.

gnomAD v4.1: 2 of 1,614,092 alleles (0.00012%); no homozygotes.

Submissions (3):

Ambry Genetics
Classification: Uncertain significance for Inborn genetic diseases. Last evaluated: 2025-08-05. Review status: criteria provided, single submitter. Criteria: Ambry Variant Classification Scheme 2023. Collection method: clinical testing. Allele origin: germline.

Labcorp Genetics (formerly Invitae), Labcorp
Classification: Uncertain significance. Last evaluated: 2022-06-15. Review status: criteria provided, single submitter. Criteria: Invitae Variant Classification Sherloc (09022015). Collection method: clinical testing. Allele origin: germline.
Comment: In summary, the available evidence is currently insufficient to determine the role of this variant in disease. Therefore, it has been classified as a Variant of Uncertain Significance. Advanced modeling of protein sequence and biophysical properties (such as structural, functional, and spatial information, amino acid conservation, physicochemical variation, residue mobility, and thermodynamic stability) performed at Invitae indicates that this missense variant is expected to disrupt CHRNB2 protein function. This variant has not been reported in the literature in individuals affected with CHRNB2-related conditions. This variant is not present in population databases (gnomAD no frequency). This sequence change replaces glycine, which is neutral and non-polar, with serine, which is neutral and polar, at codon 473 of the CHRNB2 protein (p.Gly473Ser).

GeneDx
Classification: Uncertain significance. Last evaluated: 2022-01-21. Review status: criteria provided, single submitter. Criteria: GeneDx Variant Classification Process June 2021. Collection method: clinical testing. Allele origin: germline. Affected: yes.
Comment: Not observed at significant frequency in large population cohorts (gnomAD); In silico analysis supports that this missense variant has a deleterious effect on protein structure/function; Has not been previously published as pathogenic or benign to our knowledge

NM_000748.3(CHRNB2):c.1417G>A (p.Gly473Ser)

Gene: CHRNB2 (cholinergic receptor nicotinic beta 2 subunit; plus strand). Cytogenetic location: 1q21.3.
Variant type: single nucleotide variant.
Coding change: c.1417G>A on transcript NM_000748.3 (MANE Select); coding-DNA position 1417, G replaced by A.
Protein change: p.Gly473Ser; replaces glycine 473 with serine.
Molecular consequence: missense variant.
Genome position (GRCh38, 1-based): chr1:154,575,840, G>A. VCF-style: chr1-154575840-G-A. GRCh37 (hg19) VCF-style: chr1-154548316-G-A.
Other names: short protein forms G473S.
Identifiers: ClinVar variation 1698006 (VCV001698006.9), dbSNP rs1696262468, ClinGen allele CA342632983.